The following is an entry in ClinVar:

ClinVar aggregate classification (germline): Uncertain significance (1 of 4 stars; one submission).

Allele frequency attached by ClinVar (database versions not stated): TOPMed 0.00005; ESP Exome Variant Server 0.00008; gnomAD 0.00020; gnomAD exomes 0.00028; 1000 Genomes Project 0.00040; 1000 Genomes Project 30x 0.00062; ExAC 0.00068.
gnomAD v4.1: 437 of 1,613,868 alleles (0.027%); highest among the groups gnomAD compares: South Asian, 0.45%; 5 homozygotes.

Submission:

GeneDx
Classification: Uncertain significance. Last evaluated: 2024-09-13. Review status: criteria provided, single submitter. Criteria: GeneDx Variant Classification Process June 2021. Collection method: clinical testing. Allele origin: germline. Affected: yes.
Comment: In silico analysis supports that this missense variant has a deleterious effect on protein structure/function; Has not been previously published as pathogenic or benign to our knowledge; Also known as c.239T>C p.Phe80Ser (NM_001807.6)

NM_001807.6(CEL):c.239T>C (p.Phe80Ser)

Gene: CEL (carboxyl ester lipase; plus strand). Cytogenetic location: 9q34.13.
Variant type: single nucleotide variant.
Coding change: c.239T>C on transcript NM_001807.6 (MANE Select); coding-DNA position 239, T replaced by C.
Protein change: p.Phe80Ser; replaces phenylalanine 80 with serine.
Molecular consequence: missense variant.
Genome position (GRCh38, 1-based): chr9:133,064,661, T>C. VCF-style: chr9-133064661-T-C. GRCh37 (hg19) VCF-style: chr9-135940048-T-C.
Other names: short protein forms F80S.
Identifiers: ClinVar variation 1809856 (VCV001809856.2), dbSNP rs371426439, ClinGen allele CA5302925.
Genomic context (GRCh38, chr9:133,064,661, plus strand): 5'-GGCGGCTGCCTTCCTCATGCCAACTCCTGCCACCTGCAGGGACCCTGAAGGCCAAGAACT[T>C]CAAGAAGAGATGCCTGCAGGCCACCATCACCCAGGACAGCACCTACGGGGATGAAGACTG-3'
Protein context (NP_001798.3, residues 70-90): GWQGTLKAKN[Phe80Ser]KKRCLQATIT